The following is an entry in ClinVar:

NM_001034853.2(RPGR):c.1572+1G>T

Gene: RPGR (retinitis pigmentosa GTPase regulator; minus strand). Cytogenetic location: Xp11.4.
Variant type: single nucleotide variant.
Coding change: c.1572+1G>T on transcript NM_001034853.2 (MANE Select); the canonical splice donor site of the intron after coding-DNA position 1572, G replaced by T.
Molecular consequence: splice donor variant.
Genome position (GRCh38, 1-based): chrX:38,290,958, C>A on the plus strand (G>T on the coding strand, the complement: RPGR is on the minus strand). VCF-style: chrX-38290958-C-A. GRCh37 (hg19) VCF-style: chrX-38150211-C-A.
Other names: NC_000023.10:g.38150211C>A; c.1569+1G>T (NM_001367249.1, NM_001367250.1, NM_001367245.1); c.1386+1G>T (NM_001367251.1, NM_001367246.1); c.1572+1G>T (NM_001367247.1, NM_000328.3); c.1602+1G>T (NM_001367248.1).
Identifiers: ClinVar variation 4488000 (VCV004488000.2).
Genomic context (GRCh38, chrX:38,290,958, plus strand): 5'-CCAAAAAATTAACTTAAACTGCTCTCACCAACAATAACGAAAATAAATCTTCATATTATA[C>A]CTTTTGTTTCTGAACTGGTGATAATTTTAATGACTTTTCATTGGAATTCAGGCTCATGAT-3'

ClinVar aggregate classification (germline): Pathogenic (3 of 4 stars; one submission).

Conditions:
RPGR-related retinopathy. Also called: RPGR retinopathy. Identifiers: MedGen CN305589, MONDO:0100437.

Submissions (2):

ClinGen X-linked Inherited Retinal Disease Variant Curation Expert Panel, ClinGen
Classification: Pathogenic for RPGR-related retinopathy. Last evaluated: 2026-09-26. Review status: reviewed by expert panel. Criteria: ClinGen X LinkedIRD ACMG Specifications RPGR V1.0.0. Collection method: curation. Allele origin: germline. Inheritance: X-linked inheritance.
Comment: The NM_001034853.2(RPGR):c.1572+1G>T variant is a canonical splice site variant in intron 13, located 1 nucleotide after exon 13. This variant occurs at a canonical splice site in intron 13 and is predicted to disrupt splicing and induce skipping of exon 13, which was reviewed by the X-linked IRD VCEP and found to be deleterious in RPGR (PVS1). This variant is absent from hemizygous individuals in gnomAD v4.1.0 (PM2_Supporting). This variant is found in the +/- 1,2 dinucleotide and meets PVS1_moderate and another variant, c.1572+1G>A, was previously classified as pathogenic in the same donor/acceptor +/-1,2 dinucleotide for the RPGR-related X-linked IRD VCEP (PS1_supporting). This variant has been reported in at least one proband (PMID: 32860923). However, the number of individuals meeting the PS4 requirement of a male with some functional vision impairment by age 30 and/or decreased or absent ERG responses, or a female with functional visual abnormality and documentation of a male relative affected with retinitis pigmentosa, was fewer than the requirement of at least 2 unrelated probands, so PS4_Supporting was not met. In summary, this variant is classified as pathogenic for RPGR-related retinopathy based on the ClinGen X-linked Inherited Retinal Disease Expert Panel Specifications to the ACMG/AMP Variant Interpretation Guidelines for RPGR Version 1.0.0: PVS1, PM2_Supporting, and PS1_Supporting.

Dr. Peter K. Rogan Lab, Western University
No classification provided (evidence only). Condition: Malignant tumor of urinary bladder. Review status: no classification provided. Collection method: in vitro. Allele origin: not applicable. Functional consequence: retained intron. Not counted in ClinVar's aggregate classification.